The following is an entry in ClinVar:

ClinVar aggregate classification (germline): Uncertain significance (1 of 4 stars; one submission).

Conditions:
Cardiovascular phenotype. Identifiers: MedGen CN230736.

Submission:

Ambry Genetics
Classification: Uncertain significance for Cardiovascular phenotype. Last evaluated: 2025-05-30. Review status: criteria provided, single submitter. Criteria: Ambry Variant Classification Scheme 2023. Collection method: clinical testing. Allele origin: germline.
Comment: The p.R113C variant (also known as c.337C>T), located in coding exon 2 of the JAG1 gene, results from a C to T substitution at nucleotide position 337. The arginine at codon 113 is replaced by cysteine, an amino acid with highly dissimilar properties. This amino acid position is conserved. In addition, the in silico prediction for this alteration is inconclusive. Based on the available evidence, the clinical significance of this variant remains unclear.

NM_000214.3(JAG1):c.337C>T (p.Arg113Cys)

Gene: JAG1 (jagged canonical Notch ligand 1; minus strand). Cytogenetic location: 20p12.2.
Variant type: single nucleotide variant.
Coding change: c.337C>T on transcript NM_000214.3 (MANE Select); coding-DNA position 337, C replaced by T.
Protein change: p.Arg113Cys; replaces arginine 113 with cysteine.
Molecular consequence: missense variant.
Genome position (GRCh38, 1-based): chr20:10,672,751, G>A on the plus strand (C>T on the coding strand, the complement: JAG1 is on the minus strand). VCF-style: chr20-10672751-G-A. GRCh37 (hg19) VCF-style: chr20-10653399-G-A.
Other names: short protein forms R113C.
Identifiers: ClinVar variation 4040697 (VCV004040697.1).